The following is an entry in ClinVar:

NM_002471.4(MYH6):c.5140C>T (p.Arg1714Trp)

Genes: MYH6 (myosin heavy chain 6; minus strand), LOC126861896 (BRD4-independent group 4 enhancer GRCh37_chr14:23854904-23856103; plus strand). Cytogenetic location: 14q11.2.
Variant type: single nucleotide variant.
Coding change: c.5140C>T on transcript NM_002471.4 (MANE Select); coding-DNA position 5140, C replaced by T.
Protein change: p.Arg1714Trp; replaces arginine 1714 with tryptophan.
Molecular consequence: missense variant.
Genome position (GRCh38, 1-based): chr14:23,385,951, G>A on the plus strand (C>T on the coding strand, the complement: MYH6 is on the minus strand). VCF-style: chr14-23385951-G-A. GRCh37 (hg19) VCF-style: chr14-23855160-G-A.
Other names: short protein forms R1714W.
Identifiers: ClinVar variation 191708 (VCV000191708.7), dbSNP rs140651265, ClinGen allele CA237333.

ClinVar aggregate classification (germline): Uncertain significance. Review status: criteria provided, multiple submitters, no conflicts (2 of 4 stars). 3 submissions from 3 submitters: Uncertain significance (3). Last evaluated 2025-12-03.

Conditions:
Cardiovascular phenotype. Identifiers: MedGen CN230736.
Hypertrophic cardiomyopathy 14. Identifiers: MedGen C2750467, MONDO:0013197, OMIM 613251.

Allele frequency attached by ClinVar (database versions not stated): 1000 Genomes Project 30x 0.00016.
gnomAD v4.1: 27 of 1,614,170 alleles (0.0017%); highest among the groups gnomAD compares: Admixed American, 0.005%; 1 homozygote.

Submissions (3):

Labcorp Genetics (formerly Invitae), Labcorp
Classification: Uncertain significance for Hypertrophic cardiomyopathy 14. Last evaluated: 2025-12-03. Review status: criteria provided, single submitter. Criteria: Invitae Variant Classification Sherloc (09022015). Collection method: clinical testing. Allele origin: germline.
Comment: This sequence change replaces arginine, which is basic and polar, with tryptophan, which is neutral and slightly polar, at codon 1714 of the MYH6 protein (p.Arg1714Trp). This variant is present in population databases (rs140651265, gnomAD 0.009%). This missense change has been observed in individual(s) with dilated cardiomyopathy (PMID: 32880476). ClinVar contains an entry for this variant (Variation ID: 191708). Invitae Evidence Modeling of protein sequence and biophysical properties (such as structural, functional, and spatial information, amino acid conservation, physicochemical variation, residue mobility, and thermodynamic stability) indicates that this missense variant is expected to disrupt MYH6 protein function with a positive predictive value of 80%. In summary, the available evidence is currently insufficient to determine the role of this variant in disease. Therefore, it has been classified as a Variant of Uncertain Significance.

Ambry Genetics
Classification: Uncertain significance for Cardiovascular phenotype. Last evaluated: 2024-10-17. Review status: criteria provided, single submitter. Criteria: Ambry Variant Classification Scheme 2023. Collection method: clinical testing. Allele origin: germline.
Comment: The p.R1714W variant (also known as c.5140C>T), located in coding exon 32 of the MYH6 gene, results from a C to T substitution at nucleotide position 5140. The arginine at codon 1714 is replaced by tryptophan, an amino acid with dissimilar properties. This amino acid position is highly conserved in available vertebrate species. In addition, this alteration is predicted to be deleterious by in silico analysis. Based on the available evidence, the clinical significance of this variant remains unclear.

Biesecker Lab/Clinical Genomics Section, National Institutes of Health
Classification: Uncertain significance. Last evaluated: 2013-06-24. Review status: criteria provided, single submitter. Criteria: Ng et al. (Circ Cardiovasc Genet. 2013). Collection method: research. Allele origin: unknown. Observed: 1 variant allele. Study: ClinSeq.
Comment: The study set was not selected for affection status in relation to any cancer. Pathogenicity categories were based on literature curation. See Pubmed ID:23861362 for details.

Medical sequencing

Literature cited by the submitters: PubMed 32880476 (cited by Labcorp Genetics (formerly Invitae), Labcorp); PubMed 23396983 (cited by Ambry Genetics); PubMed 23861362 (cited by Ambry Genetics); PubMed 25351510 (cited by Ambry Genetics).